The following is an entry in ClinVar:

NM_000222.3(KIT):c.926A>T (p.Asp309Val)

Gene: KIT (KIT proto-oncogene, receptor tyrosine kinase; plus strand). Cytogenetic location: 4q12.
Variant type: single nucleotide variant.
Coding change: c.926A>T on transcript NM_000222.3 (MANE Select); coding-DNA position 926, A replaced by T.
Protein change: p.Asp309Val; replaces aspartic acid 309 with valine.
Molecular consequence: missense variant.
Genome position (GRCh38, 1-based): chr4:54,707,098, A>T. VCF-style: chr4-54707098-A-T. GRCh37 (hg19) VCF-style: chr4-55573264-A-T.
Other names: c.926A>T, p.Asp309Val (NM_001093772.2, NM_001385285.1, NM_001385286.1); c.929A>T, p.Asp310Val (NM_001385284.1, NM_001385288.1, NM_001385290.1 and 1 more transcripts); short protein forms D309V, D310V.
Identifiers: ClinVar variation 4807870 (VCV004807870.1).
Genomic context (GRCh38, chr4:54,707,098, plus strand): 5'-GTTTTTTTGTCCAGTAGTTGTAGATAATGGTTTCTTTCTGTCTTATTTCATTCTAATTAG[A>T]TAAAGGATTCATTAATATCTTCCCCATGATAAACACTACAGTATTTGTAAACGATGGAGA-3'
Protein context (NP_000213.1, residues 299-319): ANVTTTLEVV[Asp309Val]KGFINIFPMI

ClinVar aggregate classification (germline): Uncertain significance (1 of 4 stars; one submission).

Conditions:
Gastrointestinal stromal tumor. Also called: Gastrointestinal stroma tumor; Gastrointestinal stromal tumor, somatic. Identifiers: Orphanet 44890, MedGen C0238198, MeSH D046152, MONDO:0011719, OMIM 606764, HP:0100723.

Submission:

Labcorp Genetics (formerly Invitae), Labcorp
Classification: Uncertain significance for Gastrointestinal stromal tumor. Last evaluated: 2025-04-29. Review status: criteria provided, single submitter. Criteria: Invitae Variant Classification Sherloc (09022015). Collection method: clinical testing. Allele origin: germline.
Comment: This sequence change replaces aspartic acid, which is acidic and polar, with valine, which is neutral and non-polar, at codon 309 of the KIT protein (p.Asp309Val). This variant is not present in population databases (gnomAD no frequency). This variant has not been reported in the literature in individuals affected with KIT-related conditions. An algorithm developed to predict the effect of missense changes on protein structure and function (PolyPhen-2) suggests that this variant is likely to be tolerated. Algorithms developed to predict the effect of sequence changes on RNA splicing suggest that this variant may create or strengthen a splice site. In summary, the available evidence is currently insufficient to determine the role of this variant in disease. Therefore, it has been classified as a Variant of Uncertain Significance.